The following is an entry in ClinVar:

ClinVar aggregate classification (germline): Pathogenic. Review status: criteria provided, multiple submitters, no conflicts (2 of 4 stars). 2 submissions from 2 submitters: Pathogenic (2). Last evaluated 2024-02-08.

Conditions:
COL1A1-related disorder. Also called: COL1A1-related condition; COL1A1- related disease.
Osteogenesis imperfecta type I (OI1). Also called: OI, TYPE I; OSTEOGENESIS IMPERFECTA TARDA; OSTEOGENESIS IMPERFECTA WITH BLUE SCLERAE; Osteogenesis imperfecta type 1; Classic Non-deforming Osteogenesis Imperfecta with Blue Sclerae; Lobstein's Disease. Identifiers: Orphanet 216796, Orphanet 666, MedGen C0023931, MONDO:0008146, OMIM 166200. Disease mechanism: loss of function.

Submissions (2):

Labcorp Genetics (formerly Invitae), Labcorp
Classification: Pathogenic for Osteogenesis imperfecta type I. Last evaluated: 2024-02-08. Review status: criteria provided, single submitter. Criteria: Invitae Variant Classification Sherloc (09022015). Collection method: clinical testing. Allele origin: germline.
Comment: This sequence change replaces glycine, which is neutral and non-polar, with glutamic acid, which is acidic and polar, at codon 257 of the COL1A1 protein (p.Gly257Glu). This variant is not present in population databases (gnomAD no frequency). This missense change has been observed in individual(s) with osteogenesis imperfecta (PMID: 30614853). ClinVar contains an entry for this variant (Variation ID: 456796). Advanced modeling of protein sequence and biophysical properties (such as structural, functional, and spatial information, amino acid conservation, physicochemical variation, residue mobility, and thermodynamic stability) performed at Invitae indicates that this missense variant is expected to disrupt COL1A1 protein function with a positive predictive value of 95%. This variant disrupts the triple helix domain of COL1A1. Glycine residues within the Gly-Xaa-Yaa repeats of the triple helix domain are required for the structure and stability of fibrillar collagens (PMID: 7695699, 8218237, 19344236). In COL1A1, variants affecting these glycine residues are significantly enriched in individuals with disease (PMID: 9016532, 17078022) compared to the general population (ExAC). For these reasons, this variant has been classified as Pathogenic.

Blueprint Genetics
Classification: Pathogenic for COL1A1-related disorders. Last evaluated: 2021-07-02. Review status: criteria provided, single submitter. Criteria: ACMG Guidelines, 2015. Collection method: clinical testing. Allele origin: germline. Affected: yes. Observed: 1 variant allele.

Literature cited by the submitters: PubMed 30614853 (cited by Labcorp Genetics (formerly Invitae), Labcorp); PubMed 7695699 (cited by Labcorp Genetics (formerly Invitae), Labcorp); PubMed 8218237 (cited by Labcorp Genetics (formerly Invitae), Labcorp); PubMed 19344236 (cited by Labcorp Genetics (formerly Invitae), Labcorp); PubMed 9016532 (cited by Labcorp Genetics (formerly Invitae), Labcorp); PubMed 17078022 (cited by Labcorp Genetics (formerly Invitae), Labcorp).

NM_000088.4(COL1A1):c.770G>A (p.Gly257Glu)

Genes: COL1A1 (collagen type I alpha 1 chain; minus strand), LOC126862586 (CDK7 strongly-dependent group 2 enhancer GRCh37_chr17:48273702-48274901; plus strand). Cytogenetic location: 17q21.33.
Variant type: single nucleotide variant.
Coding change: c.770G>A on transcript NM_000088.4 (MANE Select); coding-DNA position 770, G replaced by A.
Protein change: p.Gly257Glu; replaces glycine 257 with glutamic acid.
Molecular consequence: missense variant.
Genome position (GRCh38, 1-based): chr17:50,197,044, C>T on the plus strand (G>A on the coding strand, the complement: COL1A1 is on the minus strand). VCF-style: chr17-50197044-C-T. GRCh37 (hg19) VCF-style: chr17-48274405-C-T.
Other names: short protein forms G257E.
Identifiers: ClinVar variation 456796 (VCV000456796.10), dbSNP rs1555574496, ClinGen allele CA400223882.